The following is an entry in ClinVar:

ClinVar aggregate classification (germline): Uncertain significance (1 of 4 stars; one submission).

Conditions:
Inborn genetic diseases. Identifiers: MedGen C0950123, MeSH D030342.

Allele frequency attached by ClinVar (database versions not stated): gnomAD exomes below 0.00001.
gnomAD v4.1: 6 of 1,612,864 alleles (0.00037%); highest among the groups gnomAD compares: Non-Finnish European, 0.00051%; no homozygotes.

Submission:

Ambry Genetics
Classification: Uncertain significance for Inborn genetic diseases. Last evaluated: 2023-01-01. Review status: criteria provided, single submitter. Criteria: Ambry Variant Classification Scheme 2023. Collection method: clinical testing. Allele origin: germline.
Comment: The p.T406N variant (also known as c.1217C>A), located in coding exon 9 of the EPAS1 gene, results from a C to A substitution at nucleotide position 1217. The threonine at codon 406 is replaced by asparagine, an amino acid with similar properties. This amino acid position is conserved. In addition, this alteration is predicted to be tolerated by in silico analysis. Since supporting evidence is limited at this time, the clinical significance of this alteration remains unclear.

NM_001430.5(EPAS1):c.1217C>A (p.Thr406Asn)

Gene: EPAS1 (endothelial PAS domain protein 1; plus strand). Cytogenetic location: 2p21.
Variant type: single nucleotide variant.
Coding change: c.1217C>A on transcript NM_001430.5 (MANE Select); coding-DNA position 1217, C replaced by A.
Protein change: p.Thr406Asn; replaces threonine 406 with asparagine.
Molecular consequence: missense variant.
Genome position (GRCh38, 1-based): chr2:46,376,721, C>A. VCF-style: chr2-46376721-C-A. GRCh37 (hg19) VCF-style: chr2-46603860-C-A.
Other names: short protein forms T406N.
Identifiers: ClinVar variation 2456716 (VCV002456716.2), dbSNP rs2546471699, ClinGen allele CA346703433.
Genomic context (GRCh38, chr2:46,376,721, plus strand): 5'-GTAACTTCCTATTCACCAAGCTAAAGGAGGAGCCCGAGGAGCTGGCCCAGCTGGCTCCCA[C>A]CCCAGGAGACGCCATCATCTCTCTGGATTTCGGTGGGTGCTTCTTAGCTAAGCCAGGCCC-3'
Protein context (NP_001421.2, residues 396-416): EPEELAQLAP[Thr406Asn]PGDAIISLDF